The following is an entry in ClinVar:

NM_001211.6(BUB1B):c.386G>T (p.Gly129Val)

Gene: BUB1B (BUB1 mitotic checkpoint serine/threonine kinase B; plus strand). Cytogenetic location: 15q15.1.
Variant type: single nucleotide variant.
Coding change: c.386G>T on transcript NM_001211.6 (MANE Select); coding-DNA position 386, G replaced by T.
Protein change: p.Gly129Val; replaces glycine 129 with valine.
Molecular consequence: missense variant.
Genome position (GRCh38, 1-based): chr15:40,176,478, G>T. VCF-style: chr15-40176478-G-T. GRCh37 (hg19) VCF-style: chr15-40468679-G-T.
Other names: short protein forms G129V.
Identifiers: ClinVar variation 4599774 (VCV004599774.1).

ClinVar aggregate classification (germline): Uncertain significance (1 of 4 stars; one submission).

Conditions:
Inborn genetic diseases. Identifiers: MedGen C0950123, MeSH D030342.

Submission:

Ambry Genetics
Classification: Uncertain significance for Inborn genetic diseases. Last evaluated: 2025-12-03. Review status: criteria provided, single submitter. Criteria: Ambry Variant Classification Scheme 2023. Collection method: clinical testing. Allele origin: germline.
Comment: The p.G129V variant (also known as c.386G>T), located in coding exon 5 of the BUB1B gene, results from a G to T substitution at nucleotide position 386. The glycine at codon 129 is replaced by valine, an amino acid with dissimilar properties. This amino acid position is conserved. In addition, the in silico prediction for this alteration is inconclusive. Based on the available evidence, the clinical significance of this variant remains unclear.